The following is an entry in ClinVar:

NM_016138.5(COQ7):c.50C>T (p.Pro17Leu)

Genes: COQ7 (coenzyme Q7, hydroxylase; plus strand), LOC130058587 (ATAC-STARR-seq lymphoblastoid silent region 7240; plus strand). Cytogenetic location: 16p12.3.
Variant type: single nucleotide variant.
Coding change: c.50C>T on transcript NM_016138.5 (MANE Select); coding-DNA position 50, C replaced by T.
Protein change: p.Pro17Leu; replaces proline 17 with leucine.
Molecular consequence: missense variant. On other transcripts: non-coding transcript variant (2).
Genome position (GRCh38, 1-based): chr16:19,067,714, C>T. VCF-style: chr16-19067714-C-T. GRCh37 (hg19) VCF-style: chr16-19079036-C-T.
Other names: c.50C>T, p.Pro17Leu (NM_001370490.1); short protein forms P17L.
Identifiers: ClinVar variation 1268907 (VCV001268907.11), dbSNP rs529955941, ClinGen allele CA7932839.

ClinVar aggregate classification (germline): Benign/Likely benign. Review status: criteria provided, multiple submitters, no conflicts (2 of 4 stars). 3 submissions from 3 submitters: Benign (2); Likely benign (1). Last evaluated 2026-06-01.

Allele frequency attached by ClinVar (database versions not stated): ExAC 0.00116; 1000 Genomes Project 0.00180; 1000 Genomes Project 30x 0.00187.
gnomAD v4.1: 614 of 1,606,904 alleles (0.038%); highest among the groups gnomAD compares: East Asian, 1.2%; 4 homozygotes.

Submissions (3):

CeGaT Center for Human Genetics Tuebingen
Classification: Likely benign. Last evaluated: 2026-06-01. Review status: criteria provided, single submitter. Criteria: CeGaT Center For Human Genetics Tuebingen Variant Classification Criteria Version 2. Collection method: clinical testing. Allele origin: germline. Affected: yes. Observed: 1 variant allele.
Comment: COQ7-DT: BS1; COQ7: BP4, BS1

Labcorp Genetics (formerly Invitae), Labcorp
Classification: Benign. Last evaluated: 2025-12-08. Review status: criteria provided, single submitter. Criteria: Invitae Variant Classification Sherloc (09022015). Collection method: clinical testing. Allele origin: germline.

GeneDx
Classification: Benign. Last evaluated: 2020-11-20. Review status: criteria provided, single submitter. Criteria: GeneDx Variant Classification Process June 2021. Collection method: clinical testing. Allele origin: germline. Affected: yes.